The following is an entry in ClinVar:

NM_016507.4(CDK12):c.3181C>A (p.Pro1061Thr)

Gene: CDK12 (cyclin dependent kinase 12; plus strand). Cytogenetic location: 17q12.
Variant type: single nucleotide variant.
Coding change: c.3181C>A on transcript NM_016507.4 (MANE Select); coding-DNA position 3181, C replaced by A.
Protein change: p.Pro1061Thr; replaces proline 1061 with threonine.
Molecular consequence: missense variant.
Genome position (GRCh38, 1-based): chr17:39,524,759, C>A. VCF-style: chr17-39524759-C-A. GRCh37 (hg19) VCF-style: chr17-37681012-C-A.
Other names: c.3181C>A, p.Pro1061Thr (NM_015083.4); short protein forms P1061T.
Identifiers: ClinVar variation 3830647 (VCV003830647.1).

ClinVar aggregate classification (germline): Uncertain significance (1 of 4 stars; one submission).

Submission:

Ambry Genetics
Classification: Uncertain significance. Last evaluated: 2025-02-09. Review status: criteria provided, single submitter. Criteria: Ambry Variant Classification Scheme 2023. Collection method: clinical testing. Allele origin: germline.
Comment: The p.P1061T variant (also known as c.3181C>A), located in coding exon 12 of the CDK12 gene, results from a C to A substitution at nucleotide position 3181. The proline at codon 1061 is replaced by threonine, an amino acid with highly similar properties. This amino acid position is conserved. In addition, this alteration is predicted to be tolerated by in silico analysis. Based on the available evidence, the clinical significance of this variant remains unclear.